The following is an entry in ClinVar:

NM_000135.4(FANCA):c.2096T>C (p.Ile699Thr)

Gene: FANCA (FA complementation group A; minus strand). Cytogenetic location: 16q24.3.
Variant type: single nucleotide variant.
Coding change: c.2096T>C on transcript NM_000135.4 (MANE Select); coding-DNA position 2096, T replaced by C.
Protein change: p.Ile699Thr; replaces isoleucine 699 with threonine.
Molecular consequence: missense variant.
Genome position (GRCh38, 1-based): chr16:89,771,733, A>G on the plus strand (T>C on the coding strand, the complement: FANCA is on the minus strand). VCF-style: chr16-89771733-A-G. GRCh37 (hg19) VCF-style: chr16-89838141-A-G.
Other names: c.2096T>C, p.Ile699Thr (NM_001286167.3); short protein forms I699T.
Identifiers: ClinVar variation 1359974 (VCV001359974.8), dbSNP rs752652496, ClinGen allele CA8251911.

ClinVar aggregate classification (germline): Uncertain significance (1 of 4 stars; one submission).

Conditions:
Fanconi anemia (FA). Also called: Fanconi's anemia. Identifiers: Orphanet 84, MedGen C0015625, MeSH D005199, MONDO:0019391.

Allele frequency attached by ClinVar (database versions not stated): gnomAD exomes below 0.00001; ExAC 0.00001.
gnomAD v4.1: 1 of 1,614,124 alleles (0.000062%); no homozygotes.

Submission:

Labcorp Genetics (formerly Invitae), Labcorp
Classification: Uncertain significance for Fanconi anemia. Last evaluated: 2020-12-30. Review status: criteria provided, single submitter. Criteria: Invitae Variant Classification Sherloc (09022015). Collection method: clinical testing. Allele origin: germline.
Comment: In summary, the available evidence is currently insufficient to determine the role of this variant in disease. Therefore, it has been classified as a Variant of Uncertain Significance. Advanced modeling of protein sequence and biophysical properties (such as structural, functional, and spatial information, amino acid conservation, physicochemical variation, residue mobility, and thermodynamic stability) performed at Invitae indicates that this missense variant is not expected to disrupt FANCA protein function. This variant has not been reported in the literature in individuals with FANCA-related conditions. This variant is present in population databases (rs752652496, ExAC 0.006%). This sequence change replaces isoleucine with threonine at codon 699 of the FANCA protein (p.Ile699Thr). The isoleucine residue is weakly conserved and there is a moderate physicochemical difference between isoleucine and threonine.